The following is an entry in ClinVar:

ClinVar aggregate classification (germline): Pathogenic (1 of 4 stars; one submission).

Submission:

Labcorp Genetics (formerly Invitae), Labcorp
Classification: Pathogenic. Last evaluated: 2022-08-08. Review status: criteria provided, single submitter. Criteria: Invitae Variant Classification Sherloc (09022015). Collection method: clinical testing. Allele origin: germline.
Comment: For these reasons, this variant has been classified as Pathogenic. This variant has not been reported in the literature in individuals affected with ABCC6-related conditions. This variant is not present in population databases (gnomAD no frequency). This sequence change creates a premature translational stop signal (p.Gly1311Glufs*16) in the ABCC6 gene. It is expected to result in an absent or disrupted protein product. Loss-of-function variants in ABCC6 are known to be pathogenic (PMID: 11536079, 17617515).

Literature cited by the submitters: PubMed 11536079; PubMed 17617515.

NM_001171.6(ABCC6):c.3913_3931dup (p.Gly1311fs)

Gene: ABCC6 (ATP binding cassette subfamily C member 6; minus strand). Cytogenetic location: 16p13.11.
Variant type: Duplication.
Coding change: c.3913_3931dup on transcript NM_001171.6 (MANE Select); coding-DNA positions 3913 to 3931, 19 bases duplicated (AAGTCCTCCCTGGCCAGTG).
Protein change: p.Gly1311fs; shifts the reading frame from glycine 1311.
Molecular consequence: frameshift variant. On other transcripts: non-coding transcript variant (1).
Genome position (GRCh38, 1-based): chr16:16,154,983-16,155,001, CACTGGCCAGGGAGGACTT duplicated on the plus strand (AAGTCCTCCCTGGCCAGTG on the coding strand, the reverse complement: ABCC6 is on the minus strand); duplicating any 19 consecutive bases within chr16:16,154,983-16,155,002 gives the same sequence; the c. name uses the placement nearest the transcript's 3' end. VCF-style (leftmost placement, unchanged base first): chr16-16154982-C-CCACTGGCCAGGGAGGACTT. GRCh37 (hg19) VCF-style: chr16-16248839-C-CCACTGGCCAGGGAGGACTT.
Other names: c.3571_3589dup, p.Gly1197fs (NM_001351800.1); short protein forms G1311fs, G1197fs.
Identifiers: ClinVar variation 2022821 (VCV002022821.4), dbSNP rs2510951682, ClinGen allele CA2580090798.
Genomic context (GRCh38, chr16:16,154,982, plus strand): 5'-GCAATGGGGACCCCGTCGATCCAGATCCCACCCTCAGCTGCCTCCTGGAGCCGCAGCAGC[C>CCACTGGCCAGGGAGGACTT]CACTGGCCAGGGAGGACTTCCCTGCCCCGGTCCTGCCAACGATGCCCACCTGCCCGGGGT-3'